The following is an entry in ClinVar:

NC_000023.10:g.(?_135730408)_(135732576_?)del

Gene: CD40LG (CD40 ligand; plus strand). Cytogenetic location: Xq26.3.
Variant type: Deletion.
Identifiers: ClinVar variation 3243910 (VCV003243910.1).

ClinVar aggregate classification (germline): Pathogenic (1 of 4 stars; one submission).

Conditions:
Hyper-IgM syndrome type 1. Also called: Immunodeficiency, X-linked, with hyper-IgM; Hyper-IgM Immunodeficiency Syndrome, Type 1; CD40 Ligand Deficiency; X-linked hyper-IgM syndrome. Identifiers: Orphanet 101088, MedGen C0398689, MONDO:0010626, OMIM 308230.

Submission:

Labcorp Genetics (formerly Invitae), Labcorp
Classification: Pathogenic for Hyper-IgM syndrome type 1. Last evaluated: 2023-03-10. Review status: criteria provided, single submitter. Criteria: Invitae Variant Classification Sherloc (09022015). Collection method: clinical testing. Allele origin: unknown.
Comment: For these reasons, this variant has been classified as Pathogenic. A similar copy number variant has been observed in individual(s) with clinical features of CD40LG-related conditions (PMID: 35874699). This variant is a gross deletion of the genomic region encompassing exon(s) 1-2 of the CD40LG gene, which includes the initiator codon. This deletion extends beyond the assayed region for this gene and therefore may encompass additional genes. It is expected to result in an absent or disrupted protein product. Loss-of-function variants in CD40LG are known to be pathogenic (PMID: 15319456).

Literature cited by the submitters: PubMed 35874699; PubMed 15319456.